The following is an entry in ClinVar:

ClinVar aggregate classification (germline): Uncertain significance (1 of 4 stars; one submission).

Submission:

Labcorp Genetics (formerly Invitae), Labcorp
Classification: Uncertain significance. Last evaluated: 2023-10-29. Review status: criteria provided, single submitter. Criteria: Invitae Variant Classification Sherloc (09022015). Collection method: clinical testing. Allele origin: germline.
Comment: This sequence change replaces proline, which is neutral and non-polar, with arginine, which is basic and polar, at codon 482 of the ZCCHC8 protein (p.Pro482Arg). This variant is not present in population databases (gnomAD no frequency). This variant has not been reported in the literature in individuals affected with ZCCHC8-related conditions. Advanced modeling of protein sequence and biophysical properties (such as structural, functional, and spatial information, amino acid conservation, physicochemical variation, residue mobility, and thermodynamic stability) has been performed at Invitae for this missense variant, however the output from this modeling did not meet the statistical confidence thresholds required to predict the impact of this variant on ZCCHC8 protein function. In summary, the available evidence is currently insufficient to determine the role of this variant in disease. Therefore, it has been classified as a Variant of Uncertain Significance.

NM_017612.5(ZCCHC8):c.1445C>G (p.Pro482Arg)

Gene: ZCCHC8 (zinc finger CCHC-type containing 8; minus strand). Cytogenetic location: 12q24.31.
Variant type: single nucleotide variant.
Coding change: c.1445C>G on transcript NM_017612.5 (MANE Select); coding-DNA position 1445, C replaced by G.
Protein change: p.Pro482Arg; replaces proline 482 with arginine.
Molecular consequence: missense variant.
Genome position (GRCh38, 1-based): chr12:122,474,176, G>C on the plus strand (C>G on the coding strand, the complement: ZCCHC8 is on the minus strand). VCF-style: chr12-122474176-G-C. GRCh37 (hg19) VCF-style: chr12-122958723-G-C.
Other names: c.1214C>G, p.Pro405Arg (NM_001350935.2); c.1148C>G, p.Pro383Arg (NM_001350936.2); c.731C>G, p.Pro244Arg (NM_001350937.2, NM_001350938.2); short protein forms P482R, P405R, P244R, P383R.
Identifiers: ClinVar variation 2772799 (VCV002772799.3), dbSNP rs1957370518, ClinGen allele CA387049115.